The following is an entry in ClinVar:

ClinVar aggregate classification (germline): Uncertain significance (1 of 4 stars; one submission).

Conditions:
USP9X-related disorder. Also called: USP9X-related condition.

Allele frequency attached by ClinVar (database versions not stated): gnomAD exomes below 0.00001; TOPMed 0.00001.
gnomAD v4.1: 1 of 1,210,613 alleles (0.000083%); highest among the groups gnomAD compares: Non-Finnish European, 0.00011%; no homozygotes.

Submissions (3):

PreventionGenetics, part of Exact Sciences
Classification: Uncertain significance for USP9X-related condition. Last evaluated: 2023-06-07. Review status: criteria provided, single submitter. Criteria: ACMG Guidelines, 2015. Collection method: clinical testing. Allele origin: germline.
Comment: The USP9X c.3673A>G variant is predicted to result in the amino acid substitution p.Ile1225Val. To our knowledge, this variant has not been reported in the literature or in a large population database, indicating this variant is rare. At this time, the clinical significance of this variant is uncertain due to the absence of conclusive functional and genetic evidence.

Dr. Peter K. Rogan Lab, Western University
No classification provided (evidence only). Condition: Nonpapillary renal cell carcinoma. Review status: no classification provided. Collection method: in vitro. Allele origin: not applicable. Functional consequence: skipped exon. Not counted in ClinVar's aggregate classification.

Dr. Peter K. Rogan Lab, Western University
No classification provided (evidence only). Condition: Nonpapillary renal cell carcinoma. Review status: no classification provided. Collection method: in vitro. Allele origin: not applicable. Functional consequence: retained intron. Not counted in ClinVar's aggregate classification.

NM_001039591.3(USP9X):c.3673A>G (p.Ile1225Val)

Gene: USP9X (ubiquitin specific peptidase 9 X-linked; plus strand). Cytogenetic location: Xp11.4.
Variant type: single nucleotide variant.
Coding change: c.3673A>G on transcript NM_001039591.3 (MANE Select); coding-DNA position 3673, A replaced by G.
Protein change: p.Ile1225Val; replaces isoleucine 1225 with valine.
Molecular consequence: missense variant.
Genome position (GRCh38, 1-based): chrX:41,186,631, A>G. VCF-style: chrX-41186631-A-G. GRCh37 (hg19) VCF-style: chrX-41045884-A-G.
Other names: NC_000023.10:g.41045884A>G; c.3673A>G, p.Ile1225Val (NM_001039590.3); c.3688A>G, p.Ile1230Val (NM_001410748.1, NM_001410749.1); short protein forms I1225V, I1230V.
Identifiers: ClinVar variation 2632692 (VCV002632692.2), dbSNP rs1483982574, ClinGen allele CA412766887.